The following is an entry in ClinVar:

ClinVar aggregate classification (germline): Pathogenic. Review status: criteria provided, multiple submitters, no conflicts (2 of 4 stars). 11 submissions from 11 submitters: Pathogenic (9). 2 of the submissions do not count toward it. Last evaluated 2026-05-06.

Conditions:
Pheochromocytoma/paraganglioma syndrome 1. Also called: PARAGANGLIOMAS, FAMILIAL NONCHROMAFFIN, 1; PGL 1; Paragangliomas familial 1; Glomus tumors familial 1; Paraganglioma - glomus jugulare; PARAGANGLIOMATA. Identifiers: Orphanet 29072, MedGen C3494181, MONDO:0008192, OMIM 168000.
Inherited phaeochromocytoma and paraganglioma excluding NF1.
Hereditary pheochromocytoma and paraganglioma. Also called: Hereditary pheochromocytoma-paraganglioma; Hereditary Paraganglioma-Pheochromocytoma Syndromes; Hereditary paragangliomas and pheochromocytomas. Identifiers: Orphanet 29072, MedGen C4274332, MONDO:0017366.
Carney-Stratakis syndrome. Also called: PARAGANGLIOMA AND GASTROINTESTINAL STROMAL TUMOR. Identifiers: Orphanet 97286, MedGen C1847319, MONDO:0011740, OMIM 606864.
Mitochondrial complex 2 deficiency, nuclear type 3. Also called: MITOCHONDRIAL COMPLEX II DEFICIENCY, NUCLEAR TYPE 3. Identifiers: MedGen C5436934, MONDO:0030937, OMIM 619167.
Cowden syndrome 3 (CWS3). Identifiers: Orphanet 201, MedGen CN166604, MONDO:0014045.
Paragangliomas with sensorineural hearing loss. Identifiers: MedGen C1868633.
Pheochromocytoma. Also called: MAX-Related Hereditary Paraganglioma-Pheochromocytoma Syndrome. Identifiers: Orphanet 29072, MedGen C0031511, MONDO:0008233, OMIM 171300, HP:0002666.
Hereditary cancer-predisposing syndrome. Also called: Neoplastic Syndromes, Hereditary; Tumor predisposition; Hereditary neoplastic syndrome; Hereditary Cancer Syndrome. Identifiers: Orphanet 140162, MedGen C0027672, MeSH D009386, MONDO:0015356.

Allele frequency attached by ClinVar (database versions not stated): gnomAD exomes below 0.00001; ExAC 0.00001.

Submissions (11):

Myriad Genetics, Inc.
Classification: Pathogenic for Pheochromocytoma/paraganglioma syndrome 1. Last evaluated: 2026-05-06. Review status: criteria provided, single submitter. Criteria: Myriad Autosomal Dominant, Autosomal Recessive and X-Linked Classification Criteria (2023). Collection method: clinical testing. Allele origin: unknown.
Comment: This variant is considered pathogenic. This variant creates a frameshift predicted to result in premature protein truncation.

Labcorp Genetics (formerly Invitae), Labcorp
Classification: Pathogenic for Carney-Stratakis syndrome; Paragangliomas with sensorineural hearing loss; Pheochromocytoma; Cowden syndrome 3. Last evaluated: 2026-01-28. Review status: criteria provided, single submitter. Criteria: Invitae Variant Classification Sherloc (09022015). Collection method: clinical testing. Allele origin: germline.
Comment: This sequence change creates a premature translational stop signal (p.Leu20Cysfs*66) in the SDHD gene. It is expected to result in an absent or disrupted protein product. Loss-of-function variants in SDHD are known to be pathogenic (PMID: 19454582, 19802898). This variant is not present in population databases (gnomAD no frequency). This premature translational stop signal has been observed in individual(s) with gastrointestinal stromal tumor, pheochromocytoma, and multiple paragangliomas (PMID: 17667967). ClinVar contains an entry for this variant (Variation ID: 6917). For these reasons, this variant has been classified as Pathogenic.

Ambry Genetics
Classification: Pathogenic for Hereditary cancer-predisposing syndrome. Last evaluated: 2025-12-01. Review status: criteria provided, single submitter. Criteria: Ambry Variant Classification Scheme 2023. Collection method: clinical testing. Allele origin: germline.
Comment: The c.57delG pathogenic mutation, located in coding exon 2 of the SDHD gene, results from a deletion of one nucleotide at nucleotide position 57, causing a translational frameshift with a predicted alternate stop codon (p.L20Cfs*66). This alteration has been previously identified in individuals with paraganglioma(s) and gastrointestinal stromal tumor (GIST) (Pasini B et al. Eur. J. Hum. Genet. 2008 Jan;16(1):79-88; Lodish MB et al. Endocr. Relat. Cancer 2010 Sep;17(3):581-8; Wang YM et al. World J. Gastroenterol. 2015 Feb;21(8):2303-14). This variant is considered to be rare based on population cohorts in the Genome Aggregation Database (gnomAD). In addition to the clinical data presented in the literature, this alteration is expected to result in loss of function by premature protein truncation or nonsense-mediated mRNA decay. As such, this alteration is interpreted as a disease-causing mutation.

Variantyx, Inc.
Classification: Pathogenic for Pheochromocytoma/paraganglioma syndrome 1. Last evaluated: 2025-11-18. Review status: criteria provided, single submitter. Criteria: Variantyx Assertion Criteria 2022. Collection method: clinical testing. Allele origin: germline. Inheritance: Autosomal dominant inheritance. Affected: yes.
Comment: This is a frameshift variant in the SDHD gene (OMIM: 602690). Pathogenic variants in this gene have been associated with autosomal dominant pheochromocytoma/paraganglioma syndrome 1. This variant introduces a premature termination codon in exon 2 out of 4and is expected to result in loss of function, which is a known disease mechanism for SDHD in this disorder (PMID: 17667967, 19454582, 19802898) (PVS1). This variant has a 0.0001% maximum allele frequency in non-founder control populations (PM2). Based on the current evidence, this variant is classified as pathogenic for autosomal dominant pheochromocytoma/paraganglioma syndrome 1.

NHS Central & South Genomic Laboratory Hub
Classification: Pathogenic for Inherited phaeochromocytoma and paraganglioma excluding NF1. Last evaluated: 2025-10-21. Review status: criteria provided, single submitter. Criteria: ACMG Guidelines, 2015. Collection method: clinical testing. Allele origin: germline. Affected: yes.

Fulgent Genetics
Classification: Pathogenic for Pheochromocytoma/paraganglioma syndrome 1; Carney-Stratakis syndrome; Mitochondrial complex 2 deficiency, nuclear type 3. Last evaluated: 2024-01-15. Review status: criteria provided, single submitter. Criteria: ACMG Guidelines, 2015. Collection method: clinical testing. Allele origin: germline.

All of Us Research Program, National Institutes of Health
Classification: Pathogenic for Hereditary pheochromocytoma and paraganglioma. Last evaluated: 2024-01-05. Review status: criteria provided, single submitter. Criteria: ACMG Guidelines, 2015. Collection method: clinical testing. Allele origin: germline. Inheritance: Autosomal dominant inheritance. Observed: 2 variant alleles, 2 heterozygotes.
Comment: This variant deletes 1 nucleotide in exon 2 of the SDHD gene, creating a frameshift and premature translation stop signal. This variant is expected to result in an absent or non-functional protein product. This variant has been reported in individuals affected with gastrointestinal stromal tumors and/or paragangliomas/pheochromocytomas (PMID: 17667967, 19075037, 20418362, 29386252, 34439168; DOI: 10.1530/EDM-20-0134). This variant has not been identified in the general population by the Genome Aggregation Database (gnomAD). Loss of SDHD function is a known mechanism of disease. The available evidence is insufficient to determine the role of this variant in disease conclusively.Based on the available evidence, this variant is classified as Pathogenic.

This study involves interpretation of variants in research participants for the purpose of population health screening. Participant phenotype was not available at the time of variant classification. Additional details can be found in publication PMID: 35346344, PMCID: PMC8962531

GeneDx
Classification: Pathogenic. Last evaluated: 2022-04-26. Review status: criteria provided, single submitter. Criteria: GeneDx Variant Classification Process June 2021. Collection method: clinical testing. Allele origin: germline. Affected: yes.
Comment: Observed in individuals with a personal or family history consistent with pathogenic variants in this gene (Pasini 2008, Andrews 2018, Caetano 2021); Frameshift variant predicted to result in protein truncation or nonsense mediated decay in a gene for which loss-of-function is a known mechanism of disease; Not observed at significant frequency in large population cohorts (gnomAD); This variant is associated with the following publications: (PMID: 17804857, 19075037, 17973943, 26916530, 23036227, 25741136, 27051561, 20418362, 29386252, Caetano2021[Case Report], 17667967, 30787465)

Women's Health and Genetics/Laboratory Corporation of America, LabCorp
Classification: Pathogenic for Hereditary Paraganglioma-Pheochromocytoma Syndromes. Last evaluated: 2020-01-17. Review status: criteria provided, single submitter. Criteria: LabCorp Variant Classification Summary - May 2015. Collection method: clinical testing. Allele origin: germline.
Comment: Variant summary: SDHD c.57delG (p.Leu20CysfsX66) results in a premature termination codon, predicted to cause a truncation of the encoded protein or absence of the protein due to nonsense mediated decay, which are commonly known mechanisms for disease. Truncations downstream of this position have been classified as pathogenic by our laboratory. The variant was absent in 251434 control chromosomes. c.57delG has been reported in the literature in individuals from at-least one family affected with Hereditary Paraganglioma-Pheochromocytoma Syndrome/Carney-Stratakis dyad (McWhinney_2007, Pasini_2008, Ghayee_2009, Lodish_2010). These data indicate that the variant is likely to be associated with disease. To our knowledge, no experimental evidence demonstrating an impact on protein function has been reported. Three clinical diagnostic laboratories have submitted clinical-significance assessments for this variant to ClinVar after 2014 citing overlapping evidence utilized in the context of this evaluation. All laboratories classified the variant as pathogenic. Based on the evidence outlined above, the variant was classified as pathogenic.

OMIM
Classification: Pathogenic for PARAGANGLIOMA AND GASTRIC STROMAL SARCOMA. Last evaluated: 2008-01-01. Review status: no assertion criteria provided. Collection method: literature only. Allele origin: germline. Not counted in ClinVar's aggregate classification.

Section on Medical Neuroendocrinolgy, National Institutes of Health
Classification: Pathogenic for Hereditary pheochromocytoma and paraganglioma. Review status: no assertion criteria provided. Collection method: research. Allele origin: germline. Affected: yes. Not counted in ClinVar's aggregate classification.

Literature cited by the submitters: PubMed 19454582 (cited by Labcorp Genetics (formerly Invitae), Labcorp and Variantyx, Inc.); PubMed 19802898 (cited by Labcorp Genetics (formerly Invitae), Labcorp and Variantyx, Inc.); PubMed 17667967 (cited by 6 submitters); PubMed 20418362 (cited by 3 submitters); PubMed 25741136 (cited by Ambry Genetics); PubMed 19075037 (cited by All of Us Research Program, National Institutes of Health and Women's Health and Genetics/Laboratory Corporation of America, LabCorp); PubMed 29386252 (cited by All of Us Research Program, National Institutes of Health); PubMed 34439168 (cited by All of Us Research Program, National Institutes of Health); PubMed 17804857 (cited by Women's Health and Genetics/Laboratory Corporation of America, LabCorp and OMIM).

NM_003002.4(SDHD):c.57del (p.Leu20fs)

Gene: SDHD (succinate dehydrogenase complex subunit D; plus strand). Cytogenetic location: 11q23.1.
Variant type: Deletion.
Coding change: c.57del on transcript NM_003002.4 (MANE Select); coding-DNA position 57, one base deleted (G; older notation c.57delG).
Protein change: p.Leu20fs; shifts the reading frame from leucine 20.
Molecular consequence: frameshift variant. On other transcripts: non-coding transcript variant (1), intron variant (1).
Genome position (GRCh38, 1-based): chr11:112,087,861, G deleted. VCF-style (leftmost placement, unchanged base first): chr11-112087860-TG-T. GRCh37 (hg19) VCF-style: chr11-111958584-TG-T.
Other names: c.57delG (NM_003002.2); c.57del, p.Leu20fs (NM_001276503.2, NM_001276506.2); c.52+902del (NM_001276504.2); short protein forms L20fs.
Identifiers: ClinVar variation 6917 (VCV000006917.23), dbSNP rs587776649, ClinGen allele CA016733.